The following is an entry in ClinVar:

NM_152643.8(KNDC1):c.171C>T (p.Ala57=)

Gene: KNDC1 (kinase non-catalytic C-lobe domain containing 1; plus strand). Cytogenetic location: 10q26.3.
Variant type: single nucleotide variant.
Coding change: c.171C>T on transcript NM_152643.8 (MANE Select); coding-DNA position 171, C replaced by T.
Protein change: p.Ala57=; no amino-acid change (alanine 57 retained).
Molecular consequence: synonymous variant.
Genome position (GRCh38, 1-based): chr10:133,167,449, C>T. VCF-style: chr10-133167449-C-T. GRCh37 (hg19) VCF-style: chr10-134980953-C-T.
Other names: c.171C>T, p.Ala57= (NM_001347864.2, NM_001347865.2, NM_001347866.2 and 1 more transcripts).
Identifiers: ClinVar variation 2640998 (VCV002640998.24), dbSNP rs140318541, ClinGen allele CA5759799.

ClinVar aggregate classification (germline): Likely benign (1 of 4 stars; one submission).

Allele frequency attached by ClinVar (database versions not stated): 1000 Genomes Project 0.00140; 1000 Genomes Project 30x 0.00141; gnomAD 0.00422; TOPMed 0.00424; ESP Exome Variant Server 0.00546.
gnomAD v4.1: 9,897 of 1,606,108 alleles (0.62%); highest among the groups gnomAD compares: Non-Finnish European, 0.77%; 41 homozygotes.

Submission:

CeGaT Center for Human Genetics Tuebingen
Classification: Likely benign. Last evaluated: 2022-05-01. Review status: criteria provided, single submitter. Criteria: CeGaT Center For Human Genetics Tuebingen Variant Classification Criteria Version 2. Collection method: clinical testing. Allele origin: germline. Affected: yes. Observed: 1 variant allele.
Comment: KNDC1: BP4, BP7